The following is an entry in ClinVar:

ClinVar aggregate classification (germline): Uncertain significance (1 of 4 stars; one submission).

Submission:

GeneDx
Classification: Uncertain significance. Last evaluated: 2023-12-31. Review status: criteria provided, single submitter. Criteria: GeneDx Variant Classification Process June 2021. Collection method: clinical testing. Allele origin: germline. Affected: yes.
Comment: Not observed at significant frequency in large population cohorts (gnomAD); In silico analysis supports that this missense variant has a deleterious effect on protein structure/function; Has not been previously published as pathogenic or benign to our knowledge; This variant is associated with the following publications: (PMID: 27532257, 29300372)

NM_000257.4(MYH7):c.1450A>C (p.Lys484Gln)

Gene: MYH7 (myosin heavy chain 7; minus strand). Cytogenetic location: 14q11.2.
Variant type: single nucleotide variant.
Coding change: c.1450A>C on transcript NM_000257.4 (MANE Select); coding-DNA position 1450, A replaced by C.
Protein change: p.Lys484Gln; replaces lysine 484 with glutamine.
Molecular consequence: missense variant.
Genome position (GRCh38, 1-based): chr14:23,428,628, T>G on the plus strand (A>C on the coding strand, the complement: MYH7 is on the minus strand). VCF-style: chr14-23428628-T-G. GRCh37 (hg19) VCF-style: chr14-23897837-T-G.
Other names: c.1450A>C, p.Lys484Gln (NM_001407004.1); short protein forms K484Q.
Identifiers: ClinVar variation 3367485 (VCV003367485.1).